The following is an entry in ClinVar:

NM_020975.6(RET):c.3172G>A (p.Glu1058Lys)

Gene: RET (ret proto-oncogene; plus strand). Cytogenetic location: 10q11.21.
Variant type: single nucleotide variant.
Coding change: c.3172G>A on transcript NM_020975.6 (MANE Select); coding-DNA position 3172, G replaced by A.
Protein change: p.Glu1058Lys; replaces glutamic acid 1058 with lysine.
Molecular consequence: missense variant.
Genome position (GRCh38, 1-based): chr10:43,126,707, G>A. VCF-style: chr10-43126707-G-A. GRCh37 (hg19) VCF-style: chr10-43622155-G-A.
Other names: c.3172G>A, p.Glu1058Lys (NM_000323.2, NM_001406743.1, NM_001406744.1 and 2 more transcripts); c.2410G>A, p.Glu804Lys (NM_001355216.2); c.3043G>A, p.Glu1015Lys (NM_001406761.1, NM_001406762.1, NM_001406764.1); c.3037G>A, p.Glu1013Lys (NM_001406763.1, NM_001406765.1); c.2884G>A, p.Glu962Lys (NM_001406766.1, NM_001406767.1, NM_001406770.1); c.2908G>A, p.Glu970Lys (NM_001406768.1); c.2776G>A, p.Glu926Lys (NM_001406769.1, NM_001406772.1); c.2734G>A, p.Glu912Lys (NM_001406771.1, NM_001406773.1); and 10 more; short protein forms E1058K, E804K, E912K, E926K, E962K, E970K, E1015K, E623K.
Identifiers: ClinVar variation 1368380 (VCV001368380.8), dbSNP rs1838340845, ClinGen allele CA376558533.
Genomic context (GRCh38, chr10:43,126,707, plus strand): 5'-ACACCGCTGGTGGACTGTAATAATGCCCCCCTCCCTCGAGCCCTCCCTTCCACATGGATT[G>A]AAAACAAACTCTATGGTAGAATTTCCCATGCATTTACTAGATTCTAGCACCGCTGTCCCC-3'
Protein context (NP_066124.1, residues 1048-1068): LPRALPSTWI[Glu1058Lys]NKLYGMSDPN

ClinVar aggregate classification (germline): Uncertain significance. Review status: criteria provided, multiple submitters, no conflicts (2 of 4 stars). 2 submissions from 2 submitters: Uncertain significance (2). Last evaluated 2023-04-03.

Conditions:
Multiple endocrine neoplasia, type 2 (MEN2). Identifiers: Orphanet 653, MedGen C4048306, MONDO:0019003. Disease mechanism: gain of function.

Submissions (2):

All of Us Research Program, National Institutes of Health
Classification: Uncertain significance for Multiple endocrine neoplasia, type 2. Last evaluated: 2023-04-03. Review status: criteria provided, single submitter. Criteria: ACMG Guidelines, 2015. Collection method: clinical testing. Allele origin: germline. Inheritance: Autosomal dominant inheritance. Observed: 1 variant allele, 1 heterozygote.
Comment: This missense variant replaces glutamic acid with lysine at codon 1058 of the RET protein. Computational prediction suggests that this variant may have deleterious impact on protein structure and function (internally defined REVEL score threshold >= 0.7, PMID: 27666373). To our knowledge, functional studies have not been reported for this variant. This variant has not been reported as a germline mutation in individuals affected with hereditary cancer in the literature. This variant has not been identified in the general population by the Genome Aggregation Database (gnomAD). The available evidence is insufficient to determine the role of this variant in disease conclusively. Therefore, this variant is classified as a Variant of Uncertain Significance.

This study involves interpretation of variants in research participants for the purpose of population health screening. Participant phenotype was not available at the time of variant classification. Additional details can be found in publication PMID: 35346344, PMCID: PMC8962531

Labcorp Genetics (formerly Invitae), Labcorp
Classification: Uncertain significance for Multiple endocrine neoplasia, type 2. Last evaluated: 2022-01-28. Review status: criteria provided, single submitter. Criteria: Invitae Variant Classification Sherloc (09022015). Collection method: clinical testing. Allele origin: germline.
Comment: In summary, the available evidence is currently insufficient to determine the role of this variant in disease. Therefore, it has been classified as a Variant of Uncertain Significance. Algorithms developed to predict the effect of missense changes on protein structure and function are either unavailable or do not agree on the potential impact of this missense change (SIFT: "Deleterious"; PolyPhen-2: "Possibly Damaging"; Align-GVGD: "Class C0"). This variant has not been reported in the literature in individuals affected with RET-related conditions. This variant is not present in population databases (gnomAD no frequency). This sequence change replaces glutamic acid, which is acidic and polar, with lysine, which is basic and polar, at codon 1058 of the RET protein (p.Glu1058Lys).